The following is an entry in ClinVar:

ClinVar aggregate classification (germline): Uncertain significance (1 of 4 stars; one submission).

Allele frequency attached by ClinVar (database versions not stated): gnomAD exomes below 0.00001; ExAC 0.00001.
gnomAD v4.1: 4 of 1,611,976 alleles (0.00025%); highest among the groups gnomAD compares: East Asian, 0.0022%; no homozygotes.

Submission:

Labcorp Genetics (formerly Invitae), Labcorp
Classification: Uncertain significance. Last evaluated: 2026-01-11. Review status: criteria provided, single submitter. Criteria: Invitae Variant Classification Sherloc (09022015). Collection method: clinical testing. Allele origin: germline.
Comment: This sequence change replaces arginine, which is basic and polar, with glutamine, which is neutral and polar, at codon 261 of the NACC1 protein (p.Arg261Gln). The frequency data for this variant in the population databases is considered unreliable, as metrics indicate poor data quality at this position in the gnomAD database. This variant has not been reported in the literature in individuals affected with NACC1-related conditions. ClinVar contains an entry for this variant (Variation ID: 1460837). Invitae Evidence Modeling of protein sequence and biophysical properties (such as structural, functional, and spatial information, amino acid conservation, physicochemical variation, residue mobility, and thermodynamic stability) indicates that this missense variant is not expected to disrupt NACC1 protein function with a negative predictive value of 80%. In summary, the available evidence is currently insufficient to determine the role of this variant in disease. Therefore, it has been classified as a Variant of Uncertain Significance.

NM_052876.4(NACC1):c.782G>A (p.Arg261Gln)

Gene: NACC1 (nucleus accumbens associated 1; plus strand). Cytogenetic location: 19p13.13.
Variant type: single nucleotide variant.
Coding change: c.782G>A on transcript NM_052876.4 (MANE Select); coding-DNA position 782, G replaced by A.
Protein change: p.Arg261Gln; replaces arginine 261 with glutamine.
Molecular consequence: missense variant.
Genome position (GRCh38, 1-based): chr19:13,135,989, G>A. VCF-style: chr19-13135989-G-A. GRCh37 (hg19) VCF-style: chr19-13246803-G-A.
Other names: short protein forms R261Q.
Identifiers: ClinVar variation 1460837 (VCV001460837.8), dbSNP rs753835661, ClinGen allele CA9238322.